The following is an entry in ClinVar:

NM_001042492.3(NF1):c.6455_6461del (p.Ser2152fs)

Gene: NF1 (neurofibromin 1; plus strand). Cytogenetic location: 17q11.2.
Variant type: Deletion.
Coding change: c.6455_6461del on transcript NM_001042492.3 (MANE Select); coding-DNA positions 6455 to 6461, 7 bases deleted (GTCTGAC; older notation c.6455_6461delGTCTGAC).
Protein change: p.Ser2152fs; shifts the reading frame from serine 2152.
Molecular consequence: frameshift variant.
Genome position (GRCh38, 1-based): chr17:31,337,395-31,337,401, GTCTGAC deleted. VCF-style (leftmost placement, unchanged base first): chr17-31337394-AGTCTGAC-A. GRCh37 (hg19) VCF-style: chr17-29664412-AGTCTGAC-A.
Other names: c.6392_6398delGTCTGAC, p.Ser2131Lysfs (NM_000267.4); short protein forms S2131fs, S2152fs.
Identifiers: ClinVar variation 2815711 (VCV002815711.3), dbSNP rs2508753045, ClinGen allele CA2739267422.
Genomic context (GRCh38, chr17:31,337,394, plus strand): 5'-TTCTGTCTTTACTTGTTCCTTTATTCTCTTACAGAAGAGACCAAGCAAGTTTTGAGACTC[AGTCTGAC>A]AGAGTTCTCATTACCCAAATTTTACTTGCTGTTTGGCATTAGCAAAGTCAAGTCAGCTGC-3'

ClinVar aggregate classification (germline): Pathogenic (1 of 4 stars; one submission).

Conditions:
Neurofibromatosis, type 1 (NF1). Also called: VON RECKLINGHAUSEN DISEASE; Peripheral type neurofibromatosis; Neurofibromatosis, type I; NEUROFIBROMATOSIS, TYPE I, SOMATIC. Identifiers: Orphanet 636, MedGen C0027831, MONDO:0018975, OMIM 162200. Disease mechanism: loss of function.

Submission:

Labcorp Genetics (formerly Invitae), Labcorp
Classification: Pathogenic for Neurofibromatosis, type 1. Last evaluated: 2023-11-08. Review status: criteria provided, single submitter. Criteria: Invitae Variant Classification Sherloc (09022015). Collection method: clinical testing. Allele origin: germline.
Comment: This sequence change creates a premature translational stop signal (p.Ser2131Lysfs*46) in the NF1 gene. It is expected to result in an absent or disrupted protein product. Loss-of-function variants in NF1 are known to be pathogenic (PMID: 10712197, 23913538). This variant is not present in population databases (gnomAD no frequency). This variant has not been reported in the literature in individuals affected with NF1-related conditions. For these reasons, this variant has been classified as Pathogenic.

Literature cited by the submitters: PubMed 10712197; PubMed 23913538.